The following is an entry in ClinVar:

NM_005159.5(ACTC1):c.191G>A (p.Arg64Lys)

Genes: ACTC1 (actin alpha cardiac muscle 1; minus strand), GJD2-DT (GJD2 divergent transcript; plus strand). Cytogenetic location: 15q14.
Variant type: single nucleotide variant.
Coding change: c.191G>A on transcript NM_005159.5 (MANE Select); coding-DNA position 191, G replaced by A.
Protein change: p.Arg64Lys; replaces arginine 64 with lysine.
Molecular consequence: missense variant.
Genome position (GRCh38, 1-based): chr15:34,793,508, C>T on the plus strand (G>A on the coding strand, the complement: ACTC1 is on the minus strand). VCF-style: chr15-34793508-C-T. GRCh37 (hg19) VCF-style: chr15-35085709-C-T.
Other names: c.191G>A (LRG_388t1); short protein forms R64K.
Identifiers: ClinVar variation 222481 (VCV000222481.8), dbSNP rs869025353, ClinGen allele CA351904.

ClinVar aggregate classification (germline): Uncertain significance. Review status: criteria provided, multiple submitters, no conflicts (2 of 4 stars). 2 submissions from 2 submitters: Uncertain significance (2). Last evaluated 2022-11-15.

Conditions:
Cardiovascular phenotype. Identifiers: MedGen CN230736.
Atrial septal defect 5 (ASD5). Identifiers: Orphanet 1478, MedGen C2748552, MONDO:0013011, OMIM 612794.
Hypertrophic cardiomyopathy 11. Also called: ACTC1-Related Familial Hypertrophic Cardiomyopathy. Identifiers: MedGen C2677506, MONDO:0012799, OMIM 612098.
Dilated cardiomyopathy 1R (CMD1R). Identifiers: Orphanet 154, Orphanet 54260, MedGen C3150681, MONDO:0013261, OMIM 613424.

Submissions (2):

Ambry Genetics
Classification: Uncertain significance for Cardiovascular phenotype. Last evaluated: 2022-11-15. Review status: criteria provided, single submitter. Criteria: Ambry Variant Classification Scheme 2023. Collection method: clinical testing. Allele origin: germline.
Comment: The p.R64K variant (also known as c.191G>A), located in coding exon 2 of the ACTC1 gene, results from a G to A substitution at nucleotide position 191. The arginine at codon 64 is replaced by lysine, an amino acid with highly similar properties. This amino acid position is conserved. In addition, this alteration is predicted to be deleterious by in silico analysis. Since supporting evidence is limited at this time, the clinical significance of this alteration remains unclear.

Labcorp Genetics (formerly Invitae), Labcorp
Classification: Uncertain significance for Dilated cardiomyopathy 1R; Hypertrophic cardiomyopathy 11; Atrial septal defect 5. Last evaluated: 2022-10-11. Review status: criteria provided, single submitter. Criteria: Invitae Variant Classification Sherloc (09022015). Collection method: clinical testing. Allele origin: germline.
Comment: In summary, the available evidence is currently insufficient to determine the role of this variant in disease. Therefore, it has been classified as a Variant of Uncertain Significance. Advanced modeling of protein sequence and biophysical properties (such as structural, functional, and spatial information, amino acid conservation, physicochemical variation, residue mobility, and thermodynamic stability) performed at Invitae indicates that this missense variant is not expected to disrupt ACTC1 protein function. ClinVar contains an entry for this variant (Variation ID: 222481). This variant has not been reported in the literature in individuals affected with ACTC1-related conditions. This variant is not present in population databases (gnomAD no frequency). This sequence change replaces arginine, which is basic and polar, with lysine, which is basic and polar, at codon 64 of the ACTC1 protein (p.Arg64Lys).